The following is an entry in ClinVar:

NM_015175.3(NBEAL2):c.8205G>T (p.Ser2735=)

Gene: NBEAL2 (neurobeachin like 2; plus strand). Cytogenetic location: 3p21.31.
Variant type: single nucleotide variant.
Coding change: c.8205G>T on transcript NM_015175.3 (MANE Select); coding-DNA position 8205, G replaced by T.
Protein change: p.Ser2735=; no amino-acid change (serine 2735 retained).
Molecular consequence: synonymous variant.
Genome position (GRCh38, 1-based): chr3:47,009,260, G>T. VCF-style: chr3-47009260-G-T. GRCh37 (hg19) VCF-style: chr3-47050750-G-T.
Other names: c.8103G>T, p.Ser2701= (NM_001365116.2).
Identifiers: ClinVar variation 3029877 (VCV003029877.2), dbSNP rs373066289, ClinGen allele CA2362389.

ClinVar aggregate classification (germline): Likely benign (0 of 4 stars; one submission).

Conditions:
NBEAL2-related disorder. Also called: NBEAL2-related condition.

Allele frequency attached by ClinVar (database versions not stated): gnomAD 0.00003.
gnomAD v4.1: 19 of 1,602,122 alleles (0.0012%); highest among the groups gnomAD compares: East Asian, 0.029%; no homozygotes.

Submission:

PreventionGenetics, part of Exact Sciences
Classification: Likely benign for NBEAL2-related condition. Last evaluated: 2020-11-16. Review status: no assertion criteria provided. Collection method: clinical testing. Allele origin: germline.
Comment: This variant is classified as likely benign based on ACMG/AMP sequence variant interpretation guidelines (Richards et al. 2015 PMID: 25741868, with internal and published modifications).